The following is an entry in ClinVar:

NM_001365951.3(KIF1B):c.4739A>G (p.Glu1580Gly)

Gene: KIF1B (kinesin family member 1B; plus strand). Cytogenetic location: 1p36.22.
Variant type: single nucleotide variant.
Coding change: c.4739A>G on transcript NM_001365951.3 (MANE Select); coding-DNA position 4739, A replaced by G.
Protein change: p.Glu1580Gly; replaces glutamic acid 1580 with glycine.
Molecular consequence: missense variant.
Genome position (GRCh38, 1-based): chr1:10,365,635, A>G. VCF-style: chr1-10365635-A-G. GRCh37 (hg19) VCF-style: chr1-10425693-A-G.
Other names: c.4739A>G, p.Glu1580Gly (NM_001365952.1); c.4601A>G, p.Glu1534Gly (NM_015074.3); short protein forms E1580G, E1534G.
Identifiers: ClinVar variation 3864039 (VCV003864039.1).

ClinVar aggregate classification (germline): Uncertain significance (1 of 4 stars; one submission).

gnomAD v4.1: 2 of 1,614,152 alleles (0.00012%); highest among the groups gnomAD compares: Admixed American, 0.0017%; no homozygotes.

Submission:

Ambry Genetics
Classification: Uncertain significance. Last evaluated: 2024-12-15. Review status: criteria provided, single submitter. Criteria: Ambry Variant Classification Scheme 2023. Collection method: clinical testing. Allele origin: germline.
Comment: The p.E1534G variant (also known as c.4601A>G), located in coding exon 40 of the KIF1B gene, results from an A to G substitution at nucleotide position 4601. The glutamic acid at codon 1534 is replaced by glycine, an amino acid with similar properties. This amino acid position is conserved. In addition, the in silico prediction for this alteration is inconclusive. Based on the available evidence, the clinical significance of this variant remains unclear.